The following is an entry in ClinVar:

ClinVar aggregate classification (germline): Uncertain significance. Review status: criteria provided, multiple submitters, no conflicts (2 of 4 stars). 2 submissions from 2 submitters: Uncertain significance (2). Last evaluated 2025-12-09.

Conditions:
Glomerulopathy with fibronectin deposits 2 (GFND2). Identifiers: Orphanet 84090, MedGen C1866075, MONDO:0011165, OMIM 601894.
Spondylometaphyseal dysplasia - Sutcliffe type. Also called: Sutcliffe type of spondylometaphyseal dysplasia; Sutcliffe SMD; Spondylometaphyseal dysplasia, 'corner fracture' type; Spondylometaphyseal Dysplasia, Corner Fracture Type. Identifiers: Orphanet 93315, MedGen C0432221, MONDO:0008479, OMIM 184255.

Allele frequency attached by ClinVar (database versions not stated): gnomAD exomes below 0.00001 and 0.00001; ExAC 0.00001; gnomAD 0.00001 and 0.00003; TOPMed 0.00002.
gnomAD v4.1: 30 of 1,613,342 alleles (0.0019%); highest among the groups gnomAD compares: African/African-American, 0.02%; 1 homozygote.

Submissions (2):

Labcorp Genetics (formerly Invitae), Labcorp
Classification: Uncertain significance. Last evaluated: 2025-12-09. Review status: criteria provided, single submitter. Criteria: Invitae Variant Classification Sherloc (09022015). Collection method: clinical testing. Allele origin: germline.
Comment: This sequence change replaces isoleucine, which is neutral and non-polar, with valine, which is neutral and non-polar, at codon 1091 of the FN1 protein (p.Ile1091Val). This variant is present in population databases (rs80101897, gnomAD 0.0008%). This variant has not been reported in the literature in individuals affected with FN1-related conditions. ClinVar contains an entry for this variant (Variation ID: 1021256). An algorithm developed to predict the effect of missense changes on protein structure and function outputs the following: PolyPhen-2: "Benign". The valine amino acid residue is found in multiple mammalian species, which suggests that this missense change does not adversely affect protein function. In summary, the available evidence is currently insufficient to determine the role of this variant in disease. Therefore, it has been classified as a Variant of Uncertain Significance.

Fulgent Genetics
Classification: Uncertain significance for Spondylometaphyseal dysplasia - Sutcliffe type; Glomerulopathy with fibronectin deposits 2. Last evaluated: 2022-04-13. Review status: criteria provided, single submitter. Criteria: ACMG Guidelines, 2015. Collection method: clinical testing. Allele origin: unknown.

NM_212482.4(FN1):c.3271A>G (p.Ile1091Val)

Gene: FN1 (fibronectin 1; minus strand). Cytogenetic location: 2q35.
Variant type: single nucleotide variant.
Coding change: c.3271A>G on transcript NM_212482.4 (MANE Select); coding-DNA position 3271, A replaced by G.
Protein change: p.Ile1091Val; replaces isoleucine 1091 with valine.
Molecular consequence: missense variant.
Genome position (GRCh38, 1-based): chr2:215,399,334, T>C on the plus strand (A>G on the coding strand, the complement: FN1 is on the minus strand). VCF-style: chr2-215399334-T-C. GRCh37 (hg19) VCF-style: chr2-216264057-T-C.
Other names: c.3271A>G, p.Ile1091Val (NM_001306129.2, NM_001306130.2, NM_001306131.2 and 13 more transcripts); short protein forms I1091V.
Identifiers: ClinVar variation 1021256 (VCV001021256.10), dbSNP rs80101897, ClinGen allele CA2094745.
Genomic context (GRCh38, chr2:215,399,334, plus strand): 5'-GAGCAGGCGTCCATGTGATCACAATGGTGGTCTCAGTCACCTCGGTGTTGTAAGGTGGAA[T>C]AGAGCTCCCAGGCTGCACTGTGAGAGAGAATCAATGCACATATTCAAAACTCAAACTCAC-3'
Protein context (NP_997647.2, residues 1081-1101): VFTTLQPGSS[Ile1091Val]PPYNTEVTET